The following is an entry in ClinVar:

NM_000155.4(GALT):c.378-7C>T

Gene: GALT (galactose-1-phosphate uridylyltransferase; plus strand). Cytogenetic location: 9p13.3.
Variant type: single nucleotide variant.
Coding change: c.378-7C>T on transcript NM_000155.4 (MANE Select); 7 bases into the intron before coding-DNA position 378, C replaced by T.
Molecular consequence: intron variant.
Genome position (GRCh38, 1-based): chr9:34,647,825, C>T. VCF-style: chr9-34647825-C-T. GRCh37 (hg19) VCF-style: chr9-34647822-C-T.
Other names: c.51-7C>T (NM_001258332.2).
Identifiers: ClinVar variation 913658 (VCV000913658.13), dbSNP rs751084584, ClinGen allele CA5036115.

ClinVar aggregate classification (germline): Uncertain significance. Review status: reviewed by expert panel (3 of 4 stars). 3 submissions from 3 submitters: Uncertain significance (1). 2 of the submissions do not count toward it. Last evaluated 2026-07-14.

Conditions:
Galactosemia. Also called: Galactose intolerance. Identifiers: Orphanet 352, MedGen C0016952, MONDO:0018116, HP:0004919. Disease mechanism: loss of function.
Deficiency of UDPglucose-hexose-1-phosphate uridylyltransferase. Also called: GALACTOSE-1-PHOSPHATE URIDYLYLTRANSFERASE DEFICIENCY; GALT deficiency; Galactosemia, classic; Transferase Deficiency Galactosemia; GALACTOSEMIA I. Identifiers: Orphanet 352, Orphanet 79239, MedGen C0268151, MONDO:0009258, OMIM 230400.

Allele frequency attached by ClinVar (database versions not stated): gnomAD 0.00001 and 0.00003; gnomAD exomes 0.00002 and 0.00016; ExAC 0.00002; TOPMed 0.00001.
gnomAD v4.1: 102 of 1,614,126 alleles (0.0063%); highest among the groups gnomAD compares: East Asian, 0.22%; no homozygotes.

Submissions (3):

Clingen Galactosemia Variant Curation Expert Panel, ClinGen
Classification: Uncertain significance for Galactosemia. Last evaluated: 2026-07-14. Review status: reviewed by expert panel. Criteria: ClinGen Galactosemia ACMG Specifications GALT V1.1. Collection method: curation. Allele origin: germline.
Comment: The c.378-7C>T (NM_000155.4) variant in GALT is an intronic variant that is not predicted by SpliceAI to impact splicing (Acceptor Loss=0.03). The filtering allele frequency in gnomAD v4.1.0 is 0.00185 for East Asian chromosomes by gnomAD v4.1.0. (PM2_Supporting, BS1, and BA1 are not met). In summary, this variant meets the criteria to be classified as variant of uncertain significance for galactosemia based on the ACMG/AMP criteria applied, as specified by the ClinGen Galactosemia VCEP: BP4 (GALT specifications v1.0.0).

Labcorp Genetics (formerly Invitae), Labcorp
Classification: Likely benign for Deficiency of UDPglucose-hexose-1-phosphate uridylyltransferase. Last evaluated: 2024-01-25. Review status: criteria provided, single submitter. Criteria: Invitae Variant Classification Sherloc (09022015). Collection method: clinical testing. Allele origin: germline. Not counted in ClinVar's aggregate classification.

Illumina Laboratory Services, Illumina
Classification: Uncertain significance for Deficiency of UDPglucose-hexose-1-phosphate uridylyltransferase. Last evaluated: 2018-01-13. Review status: criteria provided, single submitter. Criteria: ICSL Variant Classification Criteria 13 December 2019. Collection method: clinical testing. Allele origin: germline. Not counted in ClinVar's aggregate classification.